The following is an entry in ClinVar:

ClinVar aggregate classification (germline): Uncertain significance (1 of 4 stars; one submission).

Conditions:
Renal cell carcinoma. Identifiers: Orphanet 217071, MedGen C0007134, MeSH D002292, MONDO:0005086, HP:0005584.

gnomAD v4.1: 1 of 1,599,198 alleles (0.000063%); highest among the groups gnomAD compares: Non-Finnish European, 0.000085%; no homozygotes.

Submission:

Labcorp Genetics (formerly Invitae), Labcorp
Classification: Uncertain significance for Renal cell carcinoma. Last evaluated: 2024-07-19. Review status: criteria provided, single submitter. Criteria: Invitae Variant Classification Sherloc (09022015). Collection method: clinical testing. Allele origin: germline.
Comment: This sequence change replaces aspartic acid, which is acidic and polar, with histidine, which is basic and polar, at codon 352 of the MET protein (p.Asp352His). This variant is not present in population databases (gnomAD no frequency). This variant has not been reported in the literature in individuals affected with MET-related conditions. Advanced modeling of protein sequence and biophysical properties (such as structural, functional, and spatial information, amino acid conservation, physicochemical variation, residue mobility, and thermodynamic stability) performed at Invitae indicates that this missense variant is expected to disrupt MET protein function with a positive predictive value of 80%. In summary, the available evidence is currently insufficient to determine the role of this variant in disease. Therefore, it has been classified as a Variant of Uncertain Significance.

NM_000245.4(MET):c.1054G>C (p.Asp352His)

Gene: MET (MET proto-oncogene, receptor tyrosine kinase; plus strand). Cytogenetic location: 7q31.2.
Variant type: single nucleotide variant.
Coding change: c.1054G>C on transcript NM_000245.4 (MANE Select); coding-DNA position 1054, G replaced by C.
Protein change: p.Asp352His; replaces aspartic acid 352 with histidine.
Molecular consequence: missense variant. On other transcripts: intron variant (1).
Genome position (GRCh38, 1-based): chr7:116,700,138, G>C. VCF-style: chr7-116700138-G-C. GRCh37 (hg19) VCF-style: chr7-116340192-G-C.
Other names: c.1054G>C, p.Asp352His (NM_001127500.3, NM_001324401.3); c.-91+27561G>C (NM_001324402.2); short protein forms D352H.
Identifiers: ClinVar variation 3659874 (VCV003659874.2).